The following is an entry in ClinVar:

NM_178452.6(DNAAF1):c.507G>C (p.Leu169=)

Gene: DNAAF1 (dynein axonemal assembly factor 1; plus strand). Cytogenetic location: 16q24.1.
Variant type: single nucleotide variant.
Coding change: c.507G>C on transcript NM_178452.6 (MANE Select); coding-DNA position 507, G replaced by C.
Protein change: p.Leu169=; no amino-acid change (leucine 169 retained).
Molecular consequence: synonymous variant.
Genome position (GRCh38, 1-based): chr16:84,154,731, G>C. VCF-style: chr16-84154731-G-C. GRCh37 (hg19) VCF-style: chr16-84188336-G-C.
Identifiers: ClinVar variation 262955 (VCV000262955.21), dbSNP rs370128838, ClinGen allele CA8202513.

ClinVar aggregate classification (germline): Conflicting classifications of pathogenicity. Review status: criteria provided, conflicting classifications (1 of 4 stars). 6 submissions from 6 submitters: Uncertain significance (1); Likely benign (5). Last evaluated 2026-01-25.

Conditions:
Primary ciliary dyskinesia. Also called: Ciliary dyskinesia. Identifiers: Orphanet 244, MedGen C0008780, MONDO:0016575, HP:0012265.
Primary ciliary dyskinesia 13. Also called: CILIARY DYSKINESIA, PRIMARY, 13, WITH OR WITHOUT SITUS INVERSUS. Identifiers: Orphanet 244, MedGen C2750790, MONDO:0013174, OMIM 613193.

Allele frequency attached by ClinVar (database versions not stated): ExAC 0.00009; gnomAD exomes 0.00010 and 0.00023; gnomAD 0.00011; TOPMed 0.00011; ESP Exome Variant Server 0.00015.
gnomAD v4.1: 352 of 1,613,930 alleles (0.022%); highest among the groups gnomAD compares: Non-Finnish European, 0.028%; no homozygotes.

Submissions (6):

Labcorp Genetics (formerly Invitae), Labcorp
Classification: Likely benign for Primary ciliary dyskinesia. Last evaluated: 2026-01-25. Review status: criteria provided, single submitter. Criteria: Invitae Variant Classification Sherloc (09022015). Collection method: clinical testing. Allele origin: germline.

Blueprint Genetics
Classification: Likely benign. Last evaluated: 2024-09-03. Review status: criteria provided, single submitter. Criteria: ACMG Guidelines, 2015. Collection method: clinical testing. Allele origin: germline.

Ambry Genetics
Classification: Likely benign for Primary ciliary dyskinesia. Last evaluated: 2022-04-09. Review status: criteria provided, single submitter. Criteria: Ambry Variant Classification Scheme 2023. Collection method: clinical testing. Allele origin: germline.

Illumina Laboratory Services, Illumina
Classification: Uncertain significance for Primary ciliary dyskinesia 13. Last evaluated: 2018-01-12. Review status: criteria provided, single submitter. Criteria: ICSL Variant Classification Criteria 13 December 2019. Collection method: clinical testing. Allele origin: germline.

Laboratory for Molecular Medicine, Mass General Brigham Personalized Medicine
Classification: Likely benign. Last evaluated: 2016-05-20. Review status: criteria provided, single submitter. Criteria: LMM Criteria. Collection method: clinical testing. Allele origin: germline. Observed: 1 variant allele.
Comment: p.Leu169Leu in exon 4 of DNAAF1: This variant is not expected to have clinical s ignificance because it does not alter an amino acid residue and is not located w ithin the splice consensus sequence. It has been identified in 9/66736 European chromosomes by the Exome Aggregation Consortium (ExAC; dbSNP rs370128838).

PreventionGenetics, part of Exact Sciences
Classification: Likely benign. Review status: criteria provided, single submitter. Criteria: ACMG Guidelines, 2015. Collection method: clinical testing. Allele origin: germline.